The following is an entry in ClinVar:

NM_207346.3(TSEN54):c.1136G>A (p.Arg379Gln)

Gene: TSEN54 (tRNA splicing endonuclease subunit 54; plus strand). Cytogenetic location: 17q25.1.
Variant type: single nucleotide variant.
Coding change: c.1136G>A on transcript NM_207346.3 (MANE Select); coding-DNA position 1136, G replaced by A.
Protein change: p.Arg379Gln; replaces arginine 379 with glutamine.
Molecular consequence: missense variant.
Genome position (GRCh38, 1-based): chr17:75,522,217, G>A. VCF-style: chr17-75522217-G-A. GRCh37 (hg19) VCF-style: chr17-73518298-G-A.
Other names: short protein forms R379Q.
Identifiers: ClinVar variation 1219861 (VCV001219861.13), dbSNP rs201948434, ClinGen allele CA8764360.

ClinVar aggregate classification (germline): Conflicting classifications of pathogenicity. Review status: criteria provided, conflicting classifications (1 of 4 stars). 4 submissions from 4 submitters: Uncertain significance (2); Likely benign (2). Last evaluated 2025-12-16.

Conditions:
Inborn genetic diseases. Identifiers: MedGen C0950123, MeSH D030342.
Pontocerebellar hypoplasia type 2A (PCH2A). Also called: PONTOCEREBELLAR HYPOPLASIA WITH PROGRESSIVE CEREBRAL ATROPHY; VOLENDAM NEURODEGENERATIVE DISEASE. Identifiers: Orphanet 2524, MedGen C1848526, MONDO:0010190, OMIM 277470.
Pontocerebellar hypoplasia type 5 (PCH5). Also called: Pontocerebellar Hypoplasia Type 5 (PCH5). Identifiers: Orphanet 166068, MedGen C1857762, MONDO:0012438, OMIM 610204.
Pontocerebellar hypoplasia type 4 (PCH4). Also called: Pontocerebellar Hypoplasia Type 4 (PCH4). Identifiers: Orphanet 166063, MedGen C1856974, MONDO:0009166, OMIM 225753.

Allele frequency attached by ClinVar (database versions not stated): gnomAD exomes 0.00007; ExAC 0.00024; ESP Exome Variant Server 0.00032; gnomAD 0.00036 and 0.00038; TOPMed 0.00048.
gnomAD v4.1: 154 of 1,547,540 alleles (0.01%); highest among the groups gnomAD compares: East Asian, 0.14%; 1 homozygote.

Submissions (4):

Labcorp Genetics (formerly Invitae), Labcorp
Classification: Likely benign. Last evaluated: 2025-12-16. Review status: criteria provided, single submitter. Criteria: Invitae Variant Classification Sherloc (09022015). Collection method: clinical testing. Allele origin: germline.

GeneDx
Classification: Uncertain significance. Last evaluated: 2024-07-24. Review status: criteria provided, single submitter. Criteria: GeneDx Variant Classification Process June 2021. Collection method: clinical testing. Allele origin: germline. Affected: yes.
Comment: In silico analysis indicates that this missense variant does not alter protein structure/function; Has not been previously published as pathogenic or benign to our knowledge

Ambry Genetics
Classification: Likely benign for Inborn genetic diseases. Last evaluated: 2022-03-03. Review status: criteria provided, single submitter. Criteria: Ambry Variant Classification Scheme 2023. Collection method: clinical testing. Allele origin: germline.

Fulgent Genetics
Classification: Uncertain significance for Pontocerebellar hypoplasia type 4; Pontocerebellar hypoplasia type 2A; Pontocerebellar hypoplasia type 5. Last evaluated: 2021-12-08. Review status: criteria provided, single submitter. Criteria: ACMG Guidelines, 2015. Collection method: clinical testing. Allele origin: unknown.